The following is an entry in ClinVar:

NM_022042.4(SLC26A1):c.1444A>G (p.Met482Val)

Genes: IDUA (alpha-L-iduronidase; plus strand), SLC26A1 (solute carrier family 26 member 1; minus strand). Cytogenetic location: 4p16.3.
Variant type: single nucleotide variant.
Coding change: c.1444A>G on transcript NM_022042.4 (MANE Select); coding-DNA position 1444, A replaced by G.
Protein change: p.Met482Val; replaces methionine 482 with valine.
Molecular consequence: missense variant. On other transcripts: intron variant (2).
Genome position (GRCh38, 1-based): chr4:989,495, T>C on the plus strand (A>G on the coding strand, the complement: SLC26A1 is on the minus strand). VCF-style: chr4-989495-T-C. GRCh37 (hg19) VCF-style: chr4-983283-T-C.
Other names: c.1444A>G, p.Met482Val (NM_213613.4); c.576+1633A>G (NM_134425.4); c.299+1546T>C (NM_000203.5); short protein forms M482V.
Identifiers: ClinVar variation 2886366 (VCV002886366.3), dbSNP rs1044151430, ClinGen allele CA91147633.

ClinVar aggregate classification (germline): Uncertain significance (1 of 4 stars; one submission).

Allele frequency attached by ClinVar (database versions not stated): TOPMed 0.00004; gnomAD 0.00005.
gnomAD v4.1: 37 of 1,554,052 alleles (0.0024%); highest among the groups gnomAD compares: African/African-American, 0.014%; no homozygotes.

Submission:

Labcorp Genetics (formerly Invitae), Labcorp
Classification: Uncertain significance. Last evaluated: 2023-10-05. Review status: criteria provided, single submitter. Criteria: Invitae Variant Classification Sherloc (09022015). Collection method: clinical testing. Allele origin: germline.
Comment: This sequence change replaces methionine, which is neutral and non-polar, with valine, which is neutral and non-polar, at codon 482 of the SLC26A1 protein (p.Met482Val). The frequency data for this variant in the population databases is considered unreliable, as metrics indicate poor data quality at this position in the gnomAD database. This variant has not been reported in the literature in individuals affected with SLC26A1-related conditions. Advanced modeling of protein sequence and biophysical properties (such as structural, functional, and spatial information, amino acid conservation, physicochemical variation, residue mobility, and thermodynamic stability) performed at Invitae indicates that this missense variant is not expected to disrupt SLC26A1 protein function. In summary, the available evidence is currently insufficient to determine the role of this variant in disease. Therefore, it has been classified as a Variant of Uncertain Significance.